The following is an entry in ClinVar:

ClinVar aggregate classification (germline): Conflicting classifications of pathogenicity. Review status: criteria provided, conflicting classifications (1 of 4 stars). 3 submissions from 2 submitters: Uncertain significance (2); Likely benign (1). Last evaluated 2024-02-23.

Conditions:
Familial hyperthyroidism due to mutations in TSH receptor. Also called: TOXIC THYROID HYPERPLASIA, AUTOSOMAL DOMINANT; HYPERTHYROIDISM, CONGENITAL NONAUTOIMMUNE; HYPERTHYROIDISM, NONAUTOIMMUNE, AUTOSOMAL DOMINANT. Identifiers: Orphanet 424, MedGen C1836706, MONDO:0012203, OMIM 609152.
Hypothyroidism due to TSH receptor mutations. Also called: HYPOTHYROIDISM DUE TO UNRESPONSIVENESS TO THYROTROPIN; HYPOTHYROIDISM, CONGENITAL, DUE TO TSH RESISTANCE; HYPOTHYROIDISM, NONAUTOIMMUNE; THYROID-STIMULATING HORMONE, RESISTANCE TO; TSH RESISTANCE; Hypothyroidism, congenital, nongoitrous, 1. Identifiers: Orphanet 90673, MedGen C3493776, MONDO:0010142, OMIM 275200.

Allele frequency attached by ClinVar (database versions not stated): ExAC 0.00001; gnomAD exomes 0.00001 and 0.00002; gnomAD 0.00005 and 0.00006; TOPMed 0.00005.
gnomAD v4.1: 30 of 1,614,112 alleles (0.0019%); highest among the groups gnomAD compares: Admixed American, 0.0033%; no homozygotes.

Submissions (3):

Labcorp Genetics (formerly Invitae), Labcorp
Classification: Likely benign. Last evaluated: 2024-02-23. Review status: criteria provided, single submitter. Criteria: Invitae Variant Classification Sherloc (09022015). Collection method: clinical testing. Allele origin: germline.

Illumina Laboratory Services, Illumina
Classification: Uncertain significance for Familial hyperthyroidism due to mutations in TSH receptor. Last evaluated: 2017-04-27. Review status: criteria provided, single submitter. Criteria: ICSL Variant Classification Criteria 13 December 2019. Collection method: clinical testing. Allele origin: germline.
Comment: This variant was observed as part of a predisposition screen in an ostensibly healthy population. A literature search was performed for the gene, cDNA change, and amino acid change (where applicable). Publications were found based on this search. However, the evidence from the literature, in combination with allele frequency data from public databases where available, was not sufficient to rule this variant in or out of causing disease. Therefore, this variant is classified as a variant of unknown significance.

Illumina Laboratory Services, Illumina
Classification: Uncertain significance for Hypothyroidism due to TSH receptor mutations. Last evaluated: 2017-04-27. Review status: criteria provided, single submitter. Criteria: ICSL Variant Classification Criteria 13 December 2019. Collection method: clinical testing. Allele origin: germline.
Comment: the same text as in the submission from Illumina Laboratory Services, Illumina above.

Literature cited by the submitters: PubMed 22359649 (cited by Illumina Laboratory Services, Illumina); PubMed 19221175 (cited by Illumina Laboratory Services, Illumina).

NM_000369.5(TSHR):c.765A>G (p.Arg255=)

Genes: TSHR-AS1 (TSHR antisense RNA 1; minus strand), TSHR (thyroid stimulating hormone receptor; plus strand). Cytogenetic location: 14q31.1.
Variant type: single nucleotide variant.
Coding change: c.765A>G on transcript NM_000369.5 (MANE Select); coding-DNA position 765, A replaced by G.
Protein change: p.Arg255=; no amino-acid change (arginine 255 retained).
Molecular consequence: synonymous variant.
Genome position (GRCh38, 1-based): chr14:81,139,751, A>G. VCF-style: chr14-81139751-A-G. GRCh37 (hg19) VCF-style: chr14-81606095-A-G.
Identifiers: ClinVar variation 726776 (VCV000726776.10), dbSNP rs777128238, ClinGen allele CA7294322.